The following is an entry in ClinVar:

NM_005120.3(MED12):c.932G>C (p.Gly311Ala)

Gene: MED12 (mediator complex subunit 12; plus strand). Cytogenetic location: Xq13.1.
Variant type: single nucleotide variant.
Coding change: c.932G>C on transcript NM_005120.3 (MANE Select); coding-DNA position 932, G replaced by C.
Protein change: p.Gly311Ala; replaces glycine 311 with alanine.
Molecular consequence: missense variant.
Genome position (GRCh38, 1-based): chrX:71,121,647, G>C. VCF-style: chrX-71121647-G-C. GRCh37 (hg19) VCF-style: chrX-70341497-G-C.
Other names: short protein forms G311A.
Identifiers: ClinVar variation 4882409 (VCV004882409.2).

ClinVar aggregate classification (germline): Uncertain significance (1 of 4 stars; one submission).

gnomAD v4.1: 2 of 1,211,660 alleles (0.00017%); highest among the groups gnomAD compares: Non-Finnish European, 0.00022%; no homozygotes.

Submission:

Dasa
Classification: Uncertain significance. Last evaluated: 2024-10-29. Review status: criteria provided, single submitter. Criteria: DASA Assertion Criteria. Collection method: clinical testing. Allele origin: germline.
Comment: NM_005120.3(MED12):c.932G>C (p.Gly311Ala) is a missense variant that results in the substitution of glycine with alanine. This variant is rare in population databases. Computational prediction algorithms are consistent with a benign effect. The currently available literature and clinical evidence are not sufficient to establish a definitive association between this variant and the reported condition. Therefore, this variant is classified as a variant of uncertain significance.